The following is an entry in ClinVar:

NM_006939.4(SOS2):c.2677G>A (p.Glu893Lys)

Gene: SOS2 (SOS Ras/Rho guanine nucleotide exchange factor 2; minus strand). Cytogenetic location: 14q21.3.
Variant type: single nucleotide variant.
Coding change: c.2677G>A on transcript NM_006939.4 (MANE Select); coding-DNA position 2677, G replaced by A.
Protein change: p.Glu893Lys; replaces glutamic acid 893 with lysine.
Molecular consequence: missense variant.
Genome position (GRCh38, 1-based): chr14:50,140,050, C>T on the plus strand (G>A on the coding strand, the complement: SOS2 is on the minus strand). VCF-style: chr14-50140050-C-T. GRCh37 (hg19) VCF-style: chr14-50606768-C-T.
Other names: c.2578G>A, p.Glu860Lys (NM_001411020.1); short protein forms E893K, E860K.
Identifiers: ClinVar variation 1794620 (VCV001794620.2), dbSNP rs2502886403, ClinGen allele CA389642845.

ClinVar aggregate classification (germline): Uncertain significance (1 of 4 stars; one submission).

Conditions:
Cardiovascular phenotype. Identifiers: MedGen CN230736.

Allele frequency attached by ClinVar (database versions not stated): gnomAD exomes below 0.00001.
gnomAD v4.1: 1 of 1,525,042 alleles (0.000066%); highest among the groups gnomAD compares: Non-Finnish European, 0.000091%; no homozygotes.

Submission:

Ambry Genetics
Classification: Uncertain significance for Cardiovascular phenotype. Last evaluated: 2024-02-26. Review status: criteria provided, single submitter. Criteria: Ambry Variant Classification Scheme 2023. Collection method: clinical testing. Allele origin: germline.
Comment: The p.E893K variant (also known as c.2677G>A), located in coding exon 17 of the SOS2 gene, results from a G to A substitution at nucleotide position 2677. The glutamic acid at codon 893 is replaced by lysine, an amino acid with similar properties. This amino acid position is highly conserved in available vertebrate species. In addition, the in silico prediction for this alteration is inconclusive. Since supporting evidence is limited at this time, the clinical significance of this alteration remains unclear.